The following is an entry in ClinVar:

ClinVar aggregate classification (germline): Uncertain significance (1 of 4 stars; one submission).

Submission:

Labcorp Genetics (formerly Invitae), Labcorp
Classification: Uncertain significance. Last evaluated: 2022-05-20. Review status: criteria provided, single submitter. Criteria: Invitae Variant Classification Sherloc (09022015). Collection method: clinical testing. Allele origin: germline.
Comment: This variant results in a copy number gain of the genomic region encompassing exon(s) 87-100 of the HMCN1 gene. While the exact position of this variant cannot be determined from the data, sub-genic copy number gains are generally in tandem (PMID: 25640679). This variant is predicted to be in-frame, and likely preserves the integrity of the reading frame. In summary, the available evidence is currently insufficient to determine the role of this variant in disease. Therefore, it has been classified as a Variant of Uncertain Significance. Experimental studies and prediction algorithms are not available or were not evaluated, and the functional significance of this variant is currently unknown. This variant has not been reported in the literature in individuals affected with HMCN1-related conditions.

Literature cited by the submitters: PubMed 25640679.

NC_000001.10:g.(?_186105780)_(186136094_?)dup

Gene: HMCN1 (hemicentin 1; plus strand). Cytogenetic location: 1q31.1.
Variant type: Duplication.
Identifiers: ClinVar variation 2426993 (VCV002426993.4).